The following is an entry in ClinVar:

ClinVar aggregate classification (germline): Uncertain significance. Review status: criteria provided, multiple submitters, no conflicts (2 of 4 stars). 2 submissions from 2 submitters: Uncertain significance (2). Last evaluated 2023-10-18.

Submissions (2):

GeneDx
Classification: Uncertain significance. Last evaluated: 2023-10-18. Review status: criteria provided, single submitter. Criteria: GeneDx Variant Classification Process June 2021. Collection method: clinical testing. Allele origin: germline. Affected: yes.
Comment: Not observed at significant frequency in large population cohorts (gnomAD); In silico analysis supports that this missense variant does not alter protein structure/function; Has not been previously published as pathogenic or benign to our knowledge

Labcorp Genetics (formerly Invitae), Labcorp
Classification: Uncertain significance. Last evaluated: 2022-07-26. Review status: criteria provided, single submitter. Criteria: Invitae Variant Classification Sherloc (09022015). Collection method: clinical testing. Allele origin: germline.
Comment: This sequence change replaces glycine, which is neutral and non-polar, with alanine, which is neutral and non-polar, at codon 209 of the CNNM2 protein (p.Gly209Ala). This variant is not present in population databases (gnomAD no frequency). This variant has not been reported in the literature in individuals affected with CNNM2-related conditions. Algorithms developed to predict the effect of missense changes on protein structure and function are either unavailable or do not agree on the potential impact of this missense change (SIFT: "Tolerated"; PolyPhen-2: "Possibly Damaging"; Align-GVGD: "Class C0"). In summary, the available evidence is currently insufficient to determine the role of this variant in disease. Therefore, it has been classified as a Variant of Uncertain Significance.

NM_017649.5(CNNM2):c.626G>C (p.Gly209Ala)

Gene: CNNM2 (cyclin and CBS domain divalent metal cation transport mediator 2; plus strand). Cytogenetic location: 10q24.32.
Variant type: single nucleotide variant.
Coding change: c.626G>C on transcript NM_017649.5 (MANE Select); coding-DNA position 626, G replaced by C.
Protein change: p.Gly209Ala; replaces glycine 209 with alanine.
Molecular consequence: missense variant.
Genome position (GRCh38, 1-based): chr10:102,919,106, G>C. VCF-style: chr10-102919106-G-C. GRCh37 (hg19) VCF-style: chr10-104678863-G-C.
Other names: c.626G>C, p.Gly209Ala (NM_199076.3, NM_199077.3); c.626G>C (NM_017649.4); short protein forms G209A.
Identifiers: ClinVar variation 2017150 (VCV002017150.5), dbSNP rs750633463, ClinGen allele CA377956903.